The following is an entry in ClinVar:

NM_000124.4(ERCC6):c.721C>T (p.Arg241Cys)

Gene: ERCC6 (ERCC excision repair 6, chromatin remodeling factor; minus strand). Cytogenetic location: 10q11.23.
Variant type: single nucleotide variant.
Coding change: c.721C>T on transcript NM_000124.4 (MANE Select); coding-DNA position 721, C replaced by T.
Protein change: p.Arg241Cys; replaces arginine 241 with cysteine.
Molecular consequence: missense variant.
Genome position (GRCh38, 1-based): chr10:49,524,709, G>A on the plus strand (C>T on the coding strand, the complement: ERCC6 is on the minus strand). VCF-style: chr10-49524709-G-A. GRCh37 (hg19) VCF-style: chr10-50732755-G-A.
Other names: c.721C>T, p.Arg241Cys (NM_001277058.2, NM_001277059.2, NM_001346440.2); short protein forms R241C.
Identifiers: ClinVar variation 1321658 (VCV001321658.8), dbSNP rs142496478, ClinGen allele CA5496455.
Genomic context (GRCh38, chr10:49,524,709, plus strand): 5'-TGGGCTTTTTCTCCTGTTTCTGAGGGATCTGGGTACCAAAAGGTGTCATCTGGCCAGTGC[G>A]GATGAGCTCTTCCCAGGCAGTCTCCTGGACAGGCATGAGCATGCTGCCAAGACTGGATGG-3'
Protein context (NP_000115.1, residues 231-251): VQETAWEELI[Arg241Cys]TGQMTPFGTQ

ClinVar aggregate classification (germline): Uncertain significance. Review status: criteria provided, multiple submitters, no conflicts (2 of 4 stars). 4 submissions from 4 submitters: Uncertain significance (4). Last evaluated 2025-07-15.

Conditions:
Lung cancer. Also called: Malignant tumor of lung; Lung cancer, somatic. Identifiers: MedGen C0242379, MONDO:0008903, OMIM 211980.
Cerebrooculofacioskeletal syndrome 1 (COFS1). Also called: Cerebro-oculo-facio-skeletal syndrome 1. Identifiers: MedGen C0220722, MONDO:0008955, OMIM 214150.
UV-sensitive syndrome 1 (UVSS1). Identifiers: Orphanet 178338, MedGen C3551173, MONDO:0010909, OMIM 600630.
Age related macular degeneration 5. Identifiers: MedGen C3151063, MONDO:0013409, OMIM 613761.
Cockayne syndrome type 2 (CSB). Also called: COCKAYNE SYNDROME B; Cockayne Syndrome, Type II. Identifiers: Orphanet 191, Orphanet 90322, MedGen C0751038, MONDO:0019570, OMIM 133540.
Premature ovarian failure 11 (POF11). Identifiers: MedGen C4310783, MONDO:0014843, OMIM 616946.
DE SANCTIS-CACCHIONE SYNDROME. Identifiers: MedGen C0265201, MONDO:0010217, OMIM 278800.
Inborn genetic diseases. Identifiers: MedGen C0950123, MeSH D030342.

Allele frequency attached by ClinVar (database versions not stated): gnomAD exomes 0.00002 and 0.00003; ExAC 0.00003; TOPMed 0.00008; gnomAD 0.00012 and 0.00013; ESP Exome Variant Server 0.00023.

Submissions (4):

Ambry Genetics
Classification: Uncertain significance for Inborn genetic diseases. Last evaluated: 2025-07-15. Review status: criteria provided, single submitter. Criteria: Ambry Variant Classification Scheme 2023. Collection method: clinical testing. Allele origin: germline.

Labcorp Genetics (formerly Invitae), Labcorp
Classification: Uncertain significance. Last evaluated: 2022-06-20. Review status: criteria provided, single submitter. Criteria: Invitae Variant Classification Sherloc (09022015). Collection method: clinical testing. Allele origin: germline.
Comment: This sequence change replaces arginine, which is basic and polar, with cysteine, which is neutral and slightly polar, at codon 241 of the ERCC6 protein (p.Arg241Cys). This variant is present in population databases (rs142496478, gnomAD 0.02%). This variant has not been reported in the literature in individuals affected with ERCC6-related conditions. ClinVar contains an entry for this variant (Variation ID: 1321658). Algorithms developed to predict the effect of missense changes on protein structure and function (SIFT, PolyPhen-2, Align-GVGD) all suggest that this variant is likely to be disruptive. In summary, the available evidence is currently insufficient to determine the role of this variant in disease. Therefore, it has been classified as a Variant of Uncertain Significance.

Fulgent Genetics
Classification: Uncertain significance for Cockayne syndrome type 2; Lung cancer; Cerebrooculofacioskeletal syndrome 1; DE SANCTIS-CACCHIONE SYNDROME; UV-sensitive syndrome 1; Age related macular degeneration 5; Premature ovarian failure 11. Last evaluated: 2021-10-06. Review status: criteria provided, single submitter. Criteria: ACMG Guidelines, 2015. Collection method: clinical testing. Allele origin: unknown.

GeneDx
Classification: Uncertain significance. Last evaluated: 2021-05-11. Review status: criteria provided, single submitter. Criteria: GeneDx Variant Classification Process June 2021. Collection method: clinical testing. Allele origin: germline. Affected: yes.
Comment: In silico analysis supports that this missense variant has a deleterious effect on protein structure/function; Has not been previously published as pathogenic or benign to our knowledge